The following is an entry in ClinVar:

NM_004568.6(SERPINB6):c.626C>T (p.Thr209Ile)

Gene: SERPINB6 (serpin family B member 6; minus strand). Cytogenetic location: 6p25.2.
Variant type: single nucleotide variant.
Coding change: c.626C>T on transcript NM_004568.6 (MANE Select); coding-DNA position 626, C replaced by T.
Protein change: p.Thr209Ile; replaces threonine 209 with isoleucine.
Molecular consequence: missense variant. On other transcripts: non-coding transcript variant (1).
Genome position (GRCh38, 1-based): chr6:2,949,017, G>A on the plus strand (C>T on the coding strand, the complement: SERPINB6 is on the minus strand). VCF-style: chr6-2949017-G-A. GRCh37 (hg19) VCF-style: chr6-2949251-G-A.
Other names: c.638C>T, p.Thr213Ile (NM_001195291.3, NM_001374515.1); c.668C>T, p.Thr223Ile (NM_001271822.2); c.683C>T, p.Thr228Ile (NM_001271823.2); c.626C>T, p.Thr209Ile (NM_001271824.2, NM_001271825.2, NM_001297699.2 and 2 more transcripts); c.494C>T, p.Thr165Ile (NM_001374517.1); c.626C>T (NM_004568.5); short protein forms T223I, T209I, T228I, T165I, T213I.
Identifiers: ClinVar variation 1446349 (VCV001446349.8), dbSNP rs755523811, ClinGen allele CA3617467.
Genomic context (GRCh38, chr6:2,949,017, plus strand): 5'-TTCAGTTCCTTGCCAACATATGGAAGCACCAAGATTTGGGTAAATATTTCTCCTATATAG[G>A]TCTTCTTAAAAGTAGATTGCTTAAACATCATTTGCACAGGTTTCTCCTCATTCTACAAAG-3'
Protein context (NP_004559.4, residues 199-219): MMFKQSTFKK[Thr209Ile]YIGEIFTQIL

ClinVar aggregate classification (germline): Uncertain significance. Review status: criteria provided, multiple submitters, no conflicts (2 of 4 stars). 4 submissions from 4 submitters: Uncertain significance (4). Last evaluated 2025-04-28.

Allele frequency attached by ClinVar (database versions not stated): gnomAD 0.00006 and 0.00007; TOPMed 0.00006; gnomAD exomes 0.00009 and 0.00020; ExAC 0.00012.
gnomAD v4.1: 298 of 1,614,022 alleles (0.018%); highest among the groups gnomAD compares: Non-Finnish European, 0.024%; no homozygotes.

Submissions (4):

GeneDx
Classification: Uncertain significance. Last evaluated: 2025-04-28. Review status: criteria provided, single submitter. Criteria: GeneDx Variant Classification Process June 2021. Collection method: clinical testing. Allele origin: germline.
Comment: In silico analysis supports that this missense variant has a deleterious effect on protein structure/function; Has not been previously published as pathogenic or benign to our knowledge

Ambry Genetics
Classification: Uncertain significance. Last evaluated: 2024-08-26. Review status: criteria provided, single submitter. Criteria: Ambry Variant Classification Scheme 2023. Collection method: clinical testing. Allele origin: germline.

Blueprint Genetics
Classification: Uncertain significance. Last evaluated: 2023-10-05. Review status: criteria provided, single submitter. Criteria: ACMG Guidelines, 2015. Collection method: clinical testing. Allele origin: germline.

Labcorp Genetics (formerly Invitae), Labcorp
Classification: Uncertain significance. Last evaluated: 2022-09-13. Review status: criteria provided, single submitter. Criteria: Invitae Variant Classification Sherloc (09022015). Collection method: clinical testing. Allele origin: germline.
Comment: This sequence change replaces threonine, which is neutral and polar, with isoleucine, which is neutral and non-polar, at codon 209 of the SERPINB6 protein (p.Thr209Ile). This variant is present in population databases (rs755523811, gnomAD 0.02%). This variant has not been reported in the literature in individuals affected with SERPINB6-related conditions. ClinVar contains an entry for this variant (Variation ID: 1446349). Advanced modeling of protein sequence and biophysical properties (such as structural, functional, and spatial information, amino acid conservation, physicochemical variation, residue mobility, and thermodynamic stability) performed at Invitae indicates that this missense variant is not expected to disrupt SERPINB6 protein function. In summary, the available evidence is currently insufficient to determine the role of this variant in disease. Therefore, it has been classified as a Variant of Uncertain Significance.